The following is an entry in ClinVar:

NM_025179.4(PLXNA2):c.5179C>A (p.His1727Asn)

Gene: PLXNA2 (plexin A2; minus strand). Cytogenetic location: 1q32.2.
Variant type: single nucleotide variant.
Coding change: c.5179C>A on transcript NM_025179.4 (MANE Select); coding-DNA position 5179, C replaced by A.
Protein change: p.His1727Asn; replaces histidine 1727 with asparagine.
Molecular consequence: missense variant.
Genome position (GRCh38, 1-based): chr1:208,031,636, G>T on the plus strand (C>A on the coding strand, the complement: PLXNA2 is on the minus strand). VCF-style: chr1-208031636-G-T. GRCh37 (hg19) VCF-style: chr1-208204981-G-T.
Other names: short protein forms H1727N.
Identifiers: ClinVar variation 1354499 (VCV001354499.8), dbSNP rs1664506273, ClinGen allele CA344558486.
Genomic context (GRCh38, chr1:208,031,636, plus strand): 5'-CCCCGAGGGTTTACCAGTTGCTTTTCCAGGTGTGCCGCACATCTGTGTCATGGATGCTGT[G>T]CCTGTCTGCCTGCTCATCTAGGAAATCAAACATGTACTTGATGGCCAGGGGGAGAGCGCT-3'
Protein context (NP_079455.3, residues 1717-1737): FDFLDEQADR[His1727Asn]SIHDTDVRHT

ClinVar aggregate classification (germline): Uncertain significance (1 of 4 stars; one submission).

Submission:

Labcorp Genetics (formerly Invitae), Labcorp
Classification: Uncertain significance. Last evaluated: 2024-09-16. Review status: criteria provided, single submitter. Criteria: Invitae Variant Classification Sherloc (09022015). Collection method: clinical testing. Allele origin: germline.
Comment: This sequence change replaces histidine, which is basic and polar, with asparagine, which is neutral and polar, at codon 1727 of the PLXNA2 protein (p.His1727Asn). This variant is not present in population databases (gnomAD no frequency). This variant has not been reported in the literature in individuals affected with PLXNA2-related conditions. ClinVar contains an entry for this variant (Variation ID: 1354499). Invitae Evidence Modeling of protein sequence and biophysical properties (such as structural, functional, and spatial information, amino acid conservation, physicochemical variation, residue mobility, and thermodynamic stability) indicates that this missense variant is not expected to disrupt PLXNA2 protein function with a negative predictive value of 80%. In summary, the available evidence is currently insufficient to determine the role of this variant in disease. Therefore, it has been classified as a Variant of Uncertain Significance.